The following is an entry in ClinVar:

NM_152722.5(HEPACAM):c.19G>A (p.Ala7Thr)

Gene: HEPACAM (hepatic and glial cell adhesion molecule; minus strand). Cytogenetic location: 11q24.2.
Variant type: single nucleotide variant.
Coding change: c.19G>A on transcript NM_152722.5 (MANE Select); coding-DNA position 19, G replaced by A.
Protein change: p.Ala7Thr; replaces alanine 7 with threonine.
Molecular consequence: missense variant.
Genome position (GRCh38, 1-based): chr11:124,935,988, C>T on the plus strand (G>A on the coding strand, the complement: HEPACAM is on the minus strand). VCF-style: chr11-124935988-C-T. GRCh37 (hg19) VCF-style: chr11-124805884-C-T.
Other names: short protein forms A7T.
Identifiers: ClinVar variation 1499108 (VCV001499108.7), dbSNP rs745839915, ClinGen allele CA6345850.

ClinVar aggregate classification (germline): Uncertain significance. Review status: criteria provided, multiple submitters, no conflicts (2 of 4 stars). 2 submissions from 2 submitters: Uncertain significance (2). Last evaluated 2024-02-24.

Allele frequency attached by ClinVar (database versions not stated): ExAC 0.00001; gnomAD 0.00001; gnomAD exomes 0.00003 and 0.00005; TOPMed 0.00004.

Submissions (2):

Labcorp Genetics (formerly Invitae), Labcorp
Classification: Uncertain significance. Last evaluated: 2024-02-24. Review status: criteria provided, single submitter. Criteria: Invitae Variant Classification Sherloc (09022015). Collection method: clinical testing. Allele origin: germline.
Comment: This sequence change replaces alanine, which is neutral and non-polar, with threonine, which is neutral and polar, at codon 7 of the HEPACAM protein (p.Ala7Thr). This variant is present in population databases (rs745839915, gnomAD 0.07%). This variant has not been reported in the literature in individuals affected with HEPACAM-related conditions. ClinVar contains an entry for this variant (Variation ID: 1499108). Advanced modeling of protein sequence and biophysical properties (such as structural, functional, and spatial information, amino acid conservation, physicochemical variation, residue mobility, and thermodynamic stability) performed at Invitae indicates that this missense variant is not expected to disrupt HEPACAM protein function with a negative predictive value of 80%. In summary, the available evidence is currently insufficient to determine the role of this variant in disease. Therefore, it has been classified as a Variant of Uncertain Significance.

Breakthrough Genomics
Classification: Uncertain significance. Review status: criteria provided, single submitter. Criteria: ACMG Guidelines, 2015. Collection method: not provided. Allele origin: germline. Inheritance: Autosomal recessive inheritance. Affected: yes.